The following is an entry in ClinVar:

ClinVar aggregate classification (germline): Likely benign (0 of 4 stars; one submission).

Conditions:
KLF7-related disorder.

Allele frequency attached by ClinVar (database versions not stated): ExAC 0.00002.
gnomAD v4.1: 101 of 1,614,068 alleles (0.0063%); highest among the groups gnomAD compares: Non-Finnish European, 0.0074%; no homozygotes.

Submission:

PreventionGenetics, part of Exact Sciences
Classification: Likely benign for KLF7-related condition. Last evaluated: 2019-09-05. Review status: no assertion criteria provided. Collection method: clinical testing. Allele origin: germline.
Comment: This variant is classified as likely benign based on ACMG/AMP sequence variant interpretation guidelines (Richards et al. 2015 PMID: 25741868, with internal and published modifications).

NM_003709.4(KLF7):c.393C>T (p.Asn131=)

Gene: KLF7 (KLF transcription factor 7; minus strand). Cytogenetic location: 2q33.3.
Variant type: single nucleotide variant.
Coding change: c.393C>T on transcript NM_003709.4 (MANE Select); coding-DNA position 393, C replaced by T.
Protein change: p.Asn131=; no amino-acid change (asparagine 131 retained).
Molecular consequence: synonymous variant.
Genome position (GRCh38, 1-based): chr2:207,124,114, G>A on the plus strand (C>T on the coding strand, the complement: KLF7 is on the minus strand). VCF-style: chr2-207124114-G-A. GRCh37 (hg19) VCF-style: chr2-207988838-G-A.
Other names: c.393C>T, p.Asn131= (NM_001270942.1); c.294C>T, p.Asn98= (NM_001270943.2); c.309C>T, p.Asn103= (NM_001270944.2).
Identifiers: ClinVar variation 3053114 (VCV003053114.2), dbSNP rs200699335, ClinGen allele CA2075864.